The following is an entry in ClinVar:

NM_004281.4(BAG3):c.361C>T (p.Arg121Ter)

Gene: BAG3 (BAG cochaperone 3; plus strand). Cytogenetic location: 10q26.11.
Variant type: single nucleotide variant.
Coding change: c.361C>T on transcript NM_004281.4 (MANE Select); coding-DNA position 361, C replaced by T.
Protein change: p.Arg121Ter; replaces arginine 121 with a stop codon.
Molecular consequence: nonsense.
Genome position (GRCh38, 1-based): chr10:119,670,031, C>T. VCF-style: chr10-119670031-C-T. GRCh37 (hg19) VCF-style: chr10-121429543-C-T.
Other names: short protein forms R121*.
Identifiers: ClinVar variation 1324094 (VCV001324094.10), dbSNP rs2134063421, ClinGen allele CA378294939.

ClinVar aggregate classification (germline): Pathogenic/Likely pathogenic. Review status: criteria provided, multiple submitters, no conflicts (2 of 4 stars). 5 submissions from 5 submitters: Pathogenic (4); Likely pathogenic (1). Last evaluated 2026-04-02.

Conditions:
Myofibrillar myopathy 6. Identifiers: Orphanet 199340, MedGen C2751831, MONDO:0013061, OMIM 612954.
Dilated cardiomyopathy 1HH (CMD1HH). Identifiers: Orphanet 154, MedGen C3151293, MONDO:0013479, OMIM 613881.
Cardiovascular phenotype. Identifiers: MedGen CN230736.
BAG3-related disorder. Also called: BAG3-related condition.

Allele frequency attached by ClinVar (database versions not stated): gnomAD exomes below 0.00001.
gnomAD v4.1: 1 of 1,614,232 alleles (0.000062%); highest among the groups gnomAD compares: Non-Finnish European, 0.000085%; no homozygotes.

Submissions (5):

Ambry Genetics
Classification: Pathogenic for Cardiovascular phenotype. Last evaluated: 2026-04-02. Review status: criteria provided, single submitter. Criteria: Ambry Variant Classification Scheme 2023. Collection method: clinical testing. Allele origin: germline.
Comment: The p.R121* pathogenic mutation (also known as c.361C>T), located in coding exon 2 of the BAG3 gene, results from a C to T substitution at nucleotide position 361. This changes the amino acid from an arginine to a stop codon within coding exon 2. This variant was reported in individual(s) with features consistent with dilated cardiomyopathy (Cuenca S et al. J Heart Lung Transplant, 2016 May;35:625-35; Janin A et al. Clin Genet, 2017 Dec;92:616-623; Minoche AE et al. Genet Med, 2019 Mar;21:650-662; Goli R et al. Circulation, 2021 May;143:1852-1862; Bottillo I et al. Cardiovasc Pathol, 2024 Jul;73:107675). This variant is considered to be rare based on population cohorts in the Genome Aggregation Database (gnomAD). This alteration is expected to result in loss of function by premature protein truncation or nonsense-mediated mRNA decay. As such, this alteration is interpreted as a disease-causing mutation.

Daryl Scott Lab, Baylor College of Medicine
Classification: Pathogenic for BAG3-related disorder. Last evaluated: 2025-08-25. Review status: criteria provided, single submitter. Criteria: ACMG Guidelines, 2015. Collection method: clinical testing. Allele origin: unknown. Affected: yes. Observed: 1 heterozygote.
Comment: PVS1, PS4, PM2,

Labcorp Genetics (formerly Invitae), Labcorp
Classification: Pathogenic for Dilated cardiomyopathy 1HH; Myofibrillar myopathy 6. Last evaluated: 2025-06-20. Review status: criteria provided, single submitter. Criteria: Invitae Variant Classification Sherloc (09022015). Collection method: clinical testing. Allele origin: germline.
Comment: This sequence change creates a premature translational stop signal (p.Arg121*) in the BAG3 gene. It is expected to result in an absent or disrupted protein product. Loss-of-function variants in BAG3 are known to be pathogenic (PMID: 21353195, 25008357). This variant is not present in population databases (gnomAD no frequency). This premature translational stop signal has been observed in individual(s) with dilated cardiomyopathy (PMID: 26899768, 28436997, 29961767, 33874732). ClinVar contains an entry for this variant (Variation ID: 1324094). For these reasons, this variant has been classified as Pathogenic.

Fulgent Genetics
Classification: Pathogenic for Myofibrillar myopathy 6; Dilated cardiomyopathy 1HH. Last evaluated: 2024-03-14. Review status: criteria provided, single submitter. Criteria: ACMG Guidelines, 2015. Collection method: clinical testing. Allele origin: germline.

GeneDx
Classification: Likely pathogenic. Last evaluated: 2024-01-19. Review status: criteria provided, single submitter. Criteria: GeneDx Variant Classification Process June 2021. Collection method: clinical testing. Allele origin: germline. Affected: yes.
Comment: Identified in patients with cardiomyopathy in the published literature; some of these individuals harbored additional cardiogenetic variants (PMID: 26899768, 28436997, 29961767, 33874732); Not observed at significant frequency in large population cohorts (gnomAD); Nonsense variant predicted to result in protein truncation or nonsense mediated decay in a gene for which loss of function is a known mechanism of disease; This variant is associated with the following publications: (PMID: 29961767, 33874732, 28436997, 26899768)

Literature cited by the submitters: PubMed 26899768 (cited by Ambry Genetics and Labcorp Genetics (formerly Invitae), Labcorp); PubMed 28436997 (cited by Ambry Genetics and Labcorp Genetics (formerly Invitae), Labcorp); PubMed 29961767 (cited by Ambry Genetics and Labcorp Genetics (formerly Invitae), Labcorp); PubMed 33874732 (cited by Ambry Genetics and Labcorp Genetics (formerly Invitae), Labcorp); PubMed 39059779 (cited by Ambry Genetics); PubMed 21353195 (cited by Labcorp Genetics (formerly Invitae), Labcorp); PubMed 25008357 (cited by Labcorp Genetics (formerly Invitae), Labcorp).